The following is an entry in ClinVar:

ClinVar aggregate classification (germline): Likely benign. Review status: criteria provided, multiple submitters, no conflicts (2 of 4 stars). 2 submissions from 2 submitters: Likely benign (2). Last evaluated 2024-03-11.

Conditions:
Isovaleryl-CoA dehydrogenase deficiency (IVA). Also called: Classic Isovaleric Acidemia; ISOVALERIC ACID CoA DEHYDROGENASE DEFICIENCY; IVD DEFICIENCY; Isovaleric acidemia. Identifiers: Orphanet 33, MedGen C0268575, MONDO:0009475, OMIM 243500.

Allele frequency attached by ClinVar (database versions not stated): gnomAD 0.00001; gnomAD exomes 0.00001 and 0.00002; ExAC 0.00002; TOPMed 0.00002; 1000 Genomes Project 30x 0.00016; 1000 Genomes Project 0.00020.
gnomAD v4.1: 24 of 1,603,038 alleles (0.0015%); highest among the groups gnomAD compares: South Asian, 0.0044%; no homozygotes.

Submissions (2):

Labcorp Genetics (formerly Invitae), Labcorp
Classification: Likely benign for Isovaleryl-CoA dehydrogenase deficiency. Last evaluated: 2024-03-11. Review status: criteria provided, single submitter. Criteria: Invitae Variant Classification Sherloc (09022015). Collection method: clinical testing. Allele origin: germline.

GeneDx
Classification: Likely benign. Last evaluated: 2016-06-16. Review status: criteria provided, single submitter. Criteria: GeneDx Variant Classification (06012015). Collection method: clinical testing. Allele origin: germline. Affected: yes.
Comment: This variant is considered likely benign or benign based on one or more of the following criteria: it is a conservative change, it occurs at a poorly conserved position in the protein, it is predicted to be benign by multiple in silico algorithms, and/or has population frequency not consistent with disease.

NM_002225.5(IVD):c.784+12C>T

Gene: IVD (isovaleryl-CoA dehydrogenase; plus strand). Cytogenetic location: 15q15.1.
Variant type: single nucleotide variant.
Coding change: c.784+12C>T on transcript NM_002225.5 (MANE Select); 12 bases into the intron after coding-DNA position 784, C replaced by T.
Molecular consequence: intron variant.
Genome position (GRCh38, 1-based): chr15:40,413,099, C>T. VCF-style: chr15-40413099-C-T. GRCh37 (hg19) VCF-style: chr15-40705298-C-T.
Other names: c.871+12C>T (NM_001354600.3, NM_001354599.3); c.784+12C>T (NM_001354598.3, NM_001354601.3); c.736+12C>T (NM_001354597.3); c.694+12C>T (NM_001159508.3).
Identifiers: ClinVar variation 386927 (VCV000386927.4), dbSNP rs572858305, ClinGen allele CA7480735.